The following is an entry in ClinVar:

ClinVar aggregate classification (germline): Uncertain significance (1 of 4 stars; one submission).

Submission:

GeneDx
Classification: Uncertain significance. Last evaluated: 2025-08-23. Review status: criteria provided, single submitter. Criteria: GeneDx Variant Classification Process June 2021. Collection method: clinical testing. Allele origin: germline. Affected: yes.
Comment: Not observed at significant frequency in large population cohorts (gnomAD); In silico analysis is inconclusive as to whether the variant alters gene splicing. In the absence of RNA/functional studies, the actual effect of this sequence change is unknown.; Has not been previously published as pathogenic or benign to our knowledge.

NM_001375524.1(TRRAP):c.5463+5T>C

Gene: TRRAP (transformation/transcription domain associated protein; plus strand). Cytogenetic location: 7q22.1.
Variant type: single nucleotide variant.
Coding change: c.5463+5T>C on transcript NM_001375524.1 (MANE Select); 5 bases into the intron after coding-DNA position 5463, T replaced by C.
Molecular consequence: intron variant.
Genome position (GRCh38, 1-based): chr7:98,951,009, T>C. VCF-style: chr7-98951009-T-C. GRCh37 (hg19) VCF-style: chr7-98548632-T-C.
Other names: c.5442+5T>C (NM_001244580.2); c.5388+5T>C (NM_003496.4).
Identifiers: ClinVar variation 4796638 (VCV004796638.1).
Genomic context (GRCh38, chr7:98,951,009, plus strand): 5'-CTCCCAATCCAGAAGGAGATAACCCAGAAAGCATCACCAGTGTGTTTATTACCAAGGTGG[T>C]ATCACTATGTGTGTGGGTGTGAGAAGTAGCCTGGCATGTGGATGAACATCTGTGTGTGTG-3'